The following is an entry in ClinVar:

ClinVar aggregate classification (germline): Uncertain significance (1 of 4 stars; one submission).

gnomAD v4.1: 1 of 1,614,032 alleles (0.000062%); highest among the groups gnomAD compares: Non-Finnish European, 0.000085%; no homozygotes.

Submission:

GeneDx
Classification: Uncertain significance. Last evaluated: 2023-12-26. Review status: criteria provided, single submitter. Criteria: GeneDx Variant Classification Process June 2021. Collection method: clinical testing. Allele origin: germline. Affected: yes.
Comment: Has not been previously published as pathogenic or benign to our knowledge; Not observed at significant frequency in large population cohorts (gnomAD); In silico analysis supports that this missense variant has a deleterious effect on protein structure/function

NM_182641.4(BPTF):c.6270G>C (p.Gln2090His)

Gene: BPTF (bromodomain PHD finger transcription factor; plus strand). Cytogenetic location: 17q24.2.
Variant type: single nucleotide variant.
Coding change: c.6270G>C on transcript NM_182641.4 (MANE Select); coding-DNA position 6270, G replaced by C.
Protein change: p.Gln2090His; replaces glutamine 2090 with histidine.
Molecular consequence: missense variant.
Genome position (GRCh38, 1-based): chr17:67,940,449, G>C. VCF-style: chr17-67940449-G-C. GRCh37 (hg19) VCF-style: chr17-65936565-G-C.
Other names: c.6648G>C, p.Gln2216His (NM_004459.7); short protein forms Q2090H, Q2216H.
Identifiers: ClinVar variation 1311072 (VCV001311072.3), dbSNP rs2147817078, ClinGen allele CA400720706.